The following is an entry in ClinVar:

NM_001384900.1(SEMA3D):c.2211G>A (p.Arg737=)

Genes: SEMA3D (semaphorin 3D; minus strand), LOC126860094 (BRD4-independent group 4 enhancer GRCh37_chr7:84628763-84629962; plus strand). Cytogenetic location: 7q21.11.
Variant type: single nucleotide variant.
Coding change: c.2211G>A on transcript NM_001384900.1 (MANE Select); coding-DNA position 2211, G replaced by A.
Protein change: p.Arg737=; no amino-acid change (arginine 737 retained).
Molecular consequence: synonymous variant.
Genome position (GRCh38, 1-based): chr7:84,999,563, C>T on the plus strand (G>A on the coding strand, the complement: SEMA3D is on the minus strand). VCF-style: chr7-84999563-C-T. GRCh37 (hg19) VCF-style: chr7-84628879-C-T.
Other names: c.2211G>A, p.Arg737= (NM_001384901.1, NM_001384902.1, NM_001384903.1 and 1 more transcripts); c.2211G>A (NM_152754.2).
Identifiers: ClinVar variation 2657653 (VCV002657653.25), dbSNP rs573340563, ClinGen allele CA4323191.

ClinVar aggregate classification (germline): Likely benign. Review status: criteria provided, single submitter (1 of 4 stars). 2 submissions from 2 submitters: Likely benign (1). 1 of the submissions does not count toward it. Last evaluated 2022-08-01.

Conditions:
SEMA3D-related disorder. Also called: SEMA3D-related condition.

Allele frequency attached by ClinVar (database versions not stated): TOPMed 0.00002; gnomAD 0.00017; gnomAD exomes 0.00024; ExAC 0.00058; 1000 Genomes Project 0.00080; 1000 Genomes Project 30x 0.00109.
gnomAD v4.1: 369 of 1,614,090 alleles (0.023%); highest among the groups gnomAD compares: South Asian, 0.39%; 6 homozygotes.

Submissions (2):

CeGaT Center for Human Genetics Tuebingen
Classification: Likely benign. Last evaluated: 2022-08-01. Review status: criteria provided, single submitter. Criteria: CeGaT Center For Human Genetics Tuebingen Variant Classification Criteria Version 2. Collection method: clinical testing. Allele origin: germline. Affected: yes. Observed: 1 variant allele.
Comment: SEMA3D: BP4

PreventionGenetics, part of Exact Sciences
Classification: Likely benign for SEMA3D-related condition. Last evaluated: 2022-10-18. Review status: no assertion criteria provided. Collection method: clinical testing. Allele origin: germline. Not counted in ClinVar's aggregate classification.
Comment: This variant is classified as likely benign based on ACMG/AMP sequence variant interpretation guidelines (Richards et al. 2015 PMID: 25741868, with internal and published modifications).